The following is an entry in ClinVar:

ClinVar aggregate classification (germline): Pathogenic. Review status: reviewed by expert panel (3 of 4 stars). 5 submissions from 5 submitters: Pathogenic (1). 4 of the submissions do not count toward it. Last evaluated 2021-12-31.

Conditions:
Monogenic diabetes. Identifiers: Orphanet 183625, MedGen C3888631, MONDO:0015967.
Maturity-onset diabetes of the young (MODY). Also called: Maturity onset diabetes mellitus in young. Identifiers: Orphanet 552, MedGen C0342276, MONDO:0018911, HP:0004904.

Submissions (5):

ClinGen Monogenic Diabetes Variant Curation Expert Panel
Classification: Pathogenic for Monogenic diabetes. Last evaluated: 2021-12-31. Review status: reviewed by expert panel. Criteria: ClinGen Diabetes ACMG Specifications v1 1. Collection method: curation. Allele origin: germline. Inheritance: Autosomal dominant inheritance.
Comment: The c.1489C>T variant in the HNF1 homeobox A gene, HNF1A, results in a premature termination at codon 497 (p.(Gln497Ter)) of NM_000545.8. This variant, located in biologically-relevant exon 7 of 10, is predicted to lead to nonsense mediated decay in a gene in which loss-of-function is an established disease mechanism (PVS1; PMID: 23348805). Additionally, this variant is absent from gnomAD v2.1.1 (PM2_Supporting). Lastly, this variant was identified in at least one individual with a clinical history highly specific for HNF1A-MODY (MODY probability calculator result <50% (45.5%), but negative genetic testing for HNF4A and an extreme response to low dose sulfonylurea) (PP4; internal lab contributors). In summary, c.1489C>T meets the criteria to be classified as pathogenic for monogenic diabetes. ACMG/AMP criteria applied, as specified by the ClinGen MDEP (specification version 1.1, approved 6/4/2021): PVS1, PM2_Supporting, PP4_Supporting.

Labcorp Genetics (formerly Invitae), Labcorp
Classification: Pathogenic. Last evaluated: 2024-02-28. Review status: criteria provided, single submitter. Criteria: Invitae Variant Classification Sherloc (09022015). Collection method: clinical testing. Allele origin: germline. Not counted in ClinVar's aggregate classification.
Comment: This sequence change creates a premature translational stop signal (p.Gln497*) in the HNF1A gene. It is expected to result in an absent or disrupted protein product. Loss-of-function variants in HNF1A are known to be pathogenic (PMID: 15928245, 18003757). This variant is not present in population databases (gnomAD no frequency). This variant has not been reported in the literature in individuals affected with HNF1A-related conditions. ClinVar contains an entry for this variant (Variation ID: 489311). For these reasons, this variant has been classified as Pathogenic.

GeneDx
Classification: Pathogenic. Last evaluated: 2019-11-01. Review status: criteria provided, single submitter. Criteria: GeneDx Variant Classification Process June 2021. Collection method: clinical testing. Allele origin: germline. Affected: yes. Not counted in ClinVar's aggregate classification.
Comment: Nonsense variant predicted to result in protein truncation or nonsense mediated decay in a gene for which loss-of-function is a known mechanism of disease; Not observed in large population cohorts (Lek et al., 2016); Has not been previously published as pathogenic or benign to our knowledge

Athena Diagnostics
Classification: Pathogenic. Last evaluated: 2019-01-10. Review status: criteria provided, single submitter. Criteria: Athena Diagnostics Criteria. Collection method: clinical testing. Allele origin: germline. Not counted in ClinVar's aggregate classification.
Comment: The variant creates a premature nonsense codon, and is therefore predicted to result in the loss of a functional protein. Found in at least one symptomatic patient, and not found in general population data.

Clinical Genomics, Uppaluri K&H Personalized Medicine Clinic
Classification: Pathogenic for Maturity-onset diabetes of the young. Review status: criteria provided, single submitter. Criteria: K & H Uppaluri Personalized Medicine Clinic Variant Classification & Assertion Criteria_Updated V.1. Collection method: research. Allele origin: unknown. Inheritance: Autosomal dominant inheritance. Not counted in ClinVar's aggregate classification.
Comment: Mutations in HNF1A gene can predispose to MODY3. It is associated with both micro and macrovascular complications of diabetes, especially cardiovascular complications. Associated with glucosuria. May respond well to sulfonylureas. However, more evidence is required to confer the association of this particular variant rs1555212396 with MODY3.

Literature cited by the submitters: PubMed 15928245 (cited by Labcorp Genetics (formerly Invitae), Labcorp); PubMed 18003757 (cited by Labcorp Genetics (formerly Invitae), Labcorp); PubMed 31517624 (cited by Clinical Genomics, Uppaluri K&H Personalized Medicine Clinic); PubMed 32395877 (cited by Clinical Genomics, Uppaluri K&H Personalized Medicine Clinic); PubMed 35328643 (cited by Clinical Genomics, Uppaluri K&H Personalized Medicine Clinic).

NM_000545.8(HNF1A):c.1489C>T (p.Gln497Ter)

Gene: HNF1A (HNF1 homeobox A; plus strand). Cytogenetic location: 12q24.31.
Variant type: single nucleotide variant.
Coding change: c.1489C>T on transcript NM_000545.8 (MANE Select); coding-DNA position 1489, C replaced by T.
Protein change: p.Gln497Ter; replaces glutamine 497 with a stop codon.
Molecular consequence: nonsense.
Genome position (GRCh38, 1-based): chr12:120,997,653, C>T. VCF-style: chr12-120997653-C-T. GRCh37 (hg19) VCF-style: chr12-121435456-C-T.
Other names: NM_000545.6(HNF1A):c.1489C>T; p.Gln497Ter; c.1489C>T, p.Gln497Ter (NM_001306179.2); short protein forms Q497*.
Identifiers: ClinVar variation 489311 (VCV000489311.10), dbSNP rs1555212396, ClinGen allele CA386970379.
Genomic context (GRCh38, chr12:120,997,653, plus strand): 5'-ATGCCACCTGTGCAGAGCCATGTGACCCAGAGCCCCTTCATGGCCACCATGGCTCAGCTG[C>T]AGAGCCCCCACGGTGAGCGCCCTGTGCCCCACACAGCAGGAGATGATGATAGAGGTTGGC-3'